The following is an entry in ClinVar:

NM_001283009.2(RTEL1):c.2789C>T (p.Ala930Val)

Genes: RTEL1 (regulator of telomere elongation helicase 1; plus strand), RTEL1-TNFRSF6B (RTEL1-TNFRSF6B readthrough (NMD candidate); plus strand). Cytogenetic location: 20q13.33.
Variant type: single nucleotide variant.
Coding change: c.2789C>T on transcript NM_001283009.2 (MANE Select); coding-DNA position 2789, C replaced by T.
Protein change: p.Ala930Val; replaces alanine 930 with valine.
Molecular consequence: missense variant. On other transcripts: non-coding transcript variant (1).
Genome position (GRCh38, 1-based): chr20:63,692,941, C>T. VCF-style: chr20-63692941-C-T. GRCh37 (hg19) VCF-style: chr20-62324294-C-T.
Other names: c.2120C>T, p.Ala707Val (NM_001283010.1); c.2789C>T, p.Ala930Val (NM_016434.4); c.2861C>T, p.Ala954Val (NM_032957.5); short protein forms A707V, A930V, A954V.
Identifiers: ClinVar variation 1354530 (VCV001354530.6), dbSNP rs745711145, ClinGen allele CA9965540.

ClinVar aggregate classification (germline): Uncertain significance. Review status: criteria provided, multiple submitters, no conflicts (2 of 4 stars). 2 submissions from 2 submitters: Uncertain significance (2). Last evaluated 2025-02-21.

Conditions:
Pulmonary fibrosis and/or bone marrow failure, Telomere-related, 3. Also called: PULMONARY FIBROSIS AND/OR BONE MARROW FAILURE SYNDROME, TELOMERE-RELATED, 3. Identifiers: Orphanet 2032, MedGen C4225346, MONDO:0014613, OMIM 616373.
Dyskeratosis congenita, autosomal recessive 5 (DKCB5). Identifiers: MedGen C3554656, MONDO:0014076, OMIM 615190.
Inborn genetic diseases. Identifiers: MedGen C0950123, MeSH D030342.

Allele frequency attached by ClinVar (database versions not stated): gnomAD exomes below 0.00001; gnomAD 0.00001; ExAC 0.00001; TOPMed 0.00002.

Submissions (2):

Ambry Genetics
Classification: Uncertain significance for Inborn genetic diseases. Last evaluated: 2025-02-21. Review status: criteria provided, single submitter. Criteria: Ambry Variant Classification Scheme 2023. Collection method: clinical testing. Allele origin: germline.
Comment: The p.A930V variant (also known as c.2789C>T), located in coding exon 28 of the RTEL1 gene, results from a C to T substitution at nucleotide position 2789. The alanine at codon 930 is replaced by valine, an amino acid with similar properties. This amino acid position is conserved. In addition, the in silico prediction for this alteration is inconclusive. Based on the available evidence, the clinical significance of this variant remains unclear.

Labcorp Genetics (formerly Invitae), Labcorp
Classification: Uncertain significance for Dyskeratosis congenita, autosomal recessive 5; Pulmonary fibrosis and/or bone marrow failure, Telomere-related, 3. Last evaluated: 2022-08-09. Review status: criteria provided, single submitter. Criteria: Invitae Variant Classification Sherloc (09022015). Collection method: clinical testing. Allele origin: germline.
Comment: This sequence change replaces alanine, which is neutral and non-polar, with valine, which is neutral and non-polar, at codon 930 of the RTEL1 protein (p.Ala930Val). This variant is present in population databases (rs745711145, gnomAD 0.007%). This variant has not been reported in the literature in individuals affected with RTEL1-related conditions. ClinVar contains an entry for this variant (Variation ID: 1354530). Algorithms developed to predict the effect of missense changes on protein structure and function (SIFT, PolyPhen-2, Align-GVGD) all suggest that this variant is likely to be tolerated. In summary, the available evidence is currently insufficient to determine the role of this variant in disease. Therefore, it has been classified as a Variant of Uncertain Significance.